The following is an entry in ClinVar:

ClinVar aggregate classification (germline): Likely benign. Review status: criteria provided, multiple submitters, no conflicts (2 of 4 stars). 2 submissions from 2 submitters: Likely benign (2). Last evaluated 2025-01-23.

Conditions:
Immunodeficiency 31B. Also called: IMMUNODEFICIENCY 31B, MYCOBACTERIAL AND VIRAL INFECTIONS, AUTOSOMAL RECESSIVE; STAT1 DEFICIENCY, AUTOSOMAL RECESSIVE. Identifiers: Orphanet 391311, MedGen C3151088, MONDO:0013427, OMIM 613796.
Autoimmune enteropathy and endocrinopathy - susceptibility to chronic infections syndrome. Also called: Immunodeficiency 31C, autosomal dominant; Immunodeficiency 31C. Identifiers: Orphanet 391487, MedGen C3279990, MONDO:0013599, OMIM 614162.
Mendelian susceptibility to mycobacterial diseases due to partial STAT1 deficiency. Also called: IMMUNODEFICIENCY 31A, MYCOBACTERIOSIS, AUTOSOMAL DOMINANT; STAT1 DEFICIENCY, AUTOSOMAL DOMINANT; Immunodeficiency 31a. Identifiers: Orphanet 319595, MedGen C4013950, MONDO:0013956, OMIM 614892.

gnomAD v4.1: 4 of 1,605,714 alleles (0.00025%); highest among the groups gnomAD compares: East Asian, 0.0045%; no homozygotes.

Submissions (2):

Labcorp Genetics (formerly Invitae), Labcorp
Classification: Likely benign for Mendelian susceptibility to mycobacterial diseases due to partial STAT1 deficiency; Immunodeficiency 31B; Autoimmune enteropathy and endocrinopathy - susceptibility to chronic infections syndrome. Last evaluated: 2025-01-23. Review status: criteria provided, single submitter. Criteria: Invitae Variant Classification Sherloc (09022015). Collection method: clinical testing. Allele origin: germline.

GeneDx
Classification: Likely benign. Last evaluated: 2018-03-05. Review status: criteria provided, single submitter. Criteria: GeneDx Variant Classification (06012015). Collection method: clinical testing. Allele origin: germline. Affected: yes.
Comment: This variant is considered likely benign or benign based on one or more of the following criteria: it is a conservative change, it occurs at a poorly conserved position in the protein, it is predicted to be benign by multiple in silico algorithms, and/or has population frequency not consistent with disease.

NM_007315.4(STAT1):c.1264-10C>G

Gene: STAT1 (signal transducer and activator of transcription 1; minus strand). Cytogenetic location: 2q32.2.
Variant type: single nucleotide variant.
Coding change: c.1264-10C>G on transcript NM_007315.4 (MANE Select); 10 bases into the intron before coding-DNA position 1264, C replaced by G.
Molecular consequence: intron variant.
Genome position (GRCh38, 1-based): chr2:190,984,403, G>C on the plus strand (C>G on the coding strand, the complement: STAT1 is on the minus strand). VCF-style: chr2-190984403-G-C. GRCh37 (hg19) VCF-style: chr2-191849129-G-C.
Other names: c.1174-10C>G (NM_001384890.1); c.1165-10C>G (NM_001384883.1); c.1105-10C>G (NM_001384885.1); c.1171-10C>G (NM_001384887.1); c.1204-10C>G (NM_001384880.1); c.1234-10C>G (NM_001384888.1); c.1258-10C>G (NM_001384882.1); c.1264-10C>G (NM_001384889.1, NM_001384886.1, NM_139266.3); and 2 more.
Identifiers: ClinVar variation 680004 (VCV000680004.4), dbSNP rs757527885, ClinGen allele CA2029970.
Genomic context (GRCh38, chr2:190,984,403, plus strand): 5'-TTGGGTTTCAAAACTAAGGGAGTGAAGCTCTTCAGTAACGATGAGAGGACCCTTGGAAGA[G>C]AAAAGGAAAGAAGAAAAGAATATAATTATTCACAGATCCTAAAACTTTCAAAAGCCCAAT-3'